The following is an entry in ClinVar:

ClinVar aggregate classification (germline): Uncertain significance (1 of 4 stars; one submission).

Conditions:
Idiopathic generalized epilepsy. Also called: EIG; Generalised epilepsy. Identifiers: MedGen C0270850, MONDO:0005579, OMIM 600669.
Epilepsy, childhood absence 4 (ECA4). Also called: EPILEPSY, CHILDHOOD ABSENCE, SUSCEPTIBILITY TO, 4. Identifiers: Orphanet 307, MedGen C1970160.
Epilepsy, idiopathic generalized, susceptibility to, 13. Also called: EPILEPSY, JUVENILE MYOCLONIC, SUSCEPTIBILITY TO, 5. Identifiers: Orphanet 307, Orphanet 64280, MedGen C4013473, MONDO:0012627, OMIM 611136.

Submission:

Labcorp Genetics (formerly Invitae), Labcorp
Classification: Uncertain significance for Epilepsy, childhood absence 4; Epilepsy, idiopathic generalized, susceptibility to, 13; Idiopathic generalized epilepsy. Last evaluated: 2022-07-12. Review status: criteria provided, single submitter. Criteria: Invitae Variant Classification Sherloc (09022015). Collection method: clinical testing. Allele origin: germline.
Comment: In summary, the available evidence is currently insufficient to determine the role of this variant in disease. Therefore, it has been classified as a Variant of Uncertain Significance. Algorithms developed to predict the effect of missense changes on protein structure and function are either unavailable or do not agree on the potential impact of this missense change (SIFT: "Tolerated"; PolyPhen-2: "Probably Damaging"; Align-GVGD: "Class C0"). ClinVar contains an entry for this variant (Variation ID: 962144). This variant has not been reported in the literature in individuals affected with GABRA1-related conditions. This variant is not present in population databases (gnomAD no frequency). This sequence change replaces glycine, which is neutral and non-polar, with arginine, which is basic and polar, at codon 212 of the GABRA1 protein (p.Gly212Arg).

NM_001127644.2(GABRA1):c.634G>C (p.Gly212Arg)

Gene: GABRA1 (gamma-aminobutyric acid type A receptor subunit alpha1; plus strand). Cytogenetic location: 5q34.
Variant type: single nucleotide variant.
Coding change: c.634G>C on transcript NM_001127644.2 (MANE Select); coding-DNA position 634, G replaced by C.
Protein change: p.Gly212Arg; replaces glycine 212 with arginine.
Molecular consequence: missense variant.
Genome position (GRCh38, 1-based): chr5:161,882,632, G>C. VCF-style: chr5-161882632-G-C. GRCh37 (hg19) VCF-style: chr5-161309638-G-C.
Other names: c.634G>C, p.Gly212Arg (NM_000806.5, NM_001127643.2, NM_001127645.2 and 1 more transcripts); short protein forms G212R.
Identifiers: ClinVar variation 962144 (VCV000962144.9), dbSNP rs1754664241, ClinGen allele CA362179552.